The following is an entry in ClinVar:

NM_000088.4(COL1A1):c.958-3C>A

Gene: COL1A1 (collagen type I alpha 1 chain; minus strand). Cytogenetic location: 17q21.33.
Variant type: single nucleotide variant.
Coding change: c.958-3C>A on transcript NM_000088.4 (MANE Select); 3 bases into the intron before coding-DNA position 958, C replaced by A.
Molecular consequence: intron variant.
Genome position (GRCh38, 1-based): chr17:50,196,202, G>T on the plus strand (C>A on the coding strand, the complement: COL1A1 is on the minus strand). VCF-style: chr17-50196202-G-T. GRCh37 (hg19) VCF-style: chr17-48273563-G-T.
Identifiers: ClinVar variation 4734131 (VCV004734131.1).

ClinVar aggregate classification (germline): Uncertain significance (1 of 4 stars; one submission).

Conditions:
Osteogenesis imperfecta type I (OI1). Also called: Osteogenesis imperfecta type 1; Lobstein's Disease; OI, TYPE I; OSTEOGENESIS IMPERFECTA TARDA; OSTEOGENESIS IMPERFECTA WITH BLUE SCLERAE; Lobstein disease. Identifiers: Orphanet 216796, Orphanet 666, MedGen C0023931, MONDO:0008146, OMIM 166200. Disease mechanism: loss of function.

Submission:

Labcorp Genetics (formerly Invitae), Labcorp
Classification: Uncertain significance for Osteogenesis imperfecta type I. Last evaluated: 2025-12-30. Review status: criteria provided, single submitter. Criteria: Invitae Variant Classification Sherloc (09022015). Collection method: clinical testing. Allele origin: germline.
Comment: This sequence change falls in intron 14 of the COL1A1 gene. It does not directly change the encoded amino acid sequence of the COL1A1 protein. It affects a nucleotide within the consensus splice site. This variant is present in population databases (rs757452752, gnomAD 0.0009%). This variant has not been reported in the literature in individuals affected with COL1A1-related conditions. Variants that disrupt the consensus splice site are a relatively common cause of aberrant splicing (PMID: 17576681, 9536098). Algorithms developed to predict the effect of sequence changes on RNA splicing suggest that this variant may disrupt the consensus splice site. In summary, the available evidence is currently insufficient to determine the role of this variant in disease. Therefore, it has been classified as a Variant of Uncertain Significance.

Literature cited by the submitters: PubMed 17576681; PubMed 9536098.